The following is an entry in ClinVar:

ClinVar aggregate classification (germline): Likely pathogenic (1 of 4 stars; one submission).

Allele frequency attached by ClinVar (database versions not stated): gnomAD exomes below 0.00001; TOPMed below 0.00001.
gnomAD v4.1: 3 of 1,614,166 alleles (0.00019%); highest among the groups gnomAD compares: East Asian, 0.0022%; no homozygotes.

Submission:

Labcorp Genetics (formerly Invitae), Labcorp
Classification: Likely pathogenic. Last evaluated: 2022-03-03. Review status: criteria provided, single submitter. Criteria: Invitae Variant Classification Sherloc (09022015). Collection method: clinical testing. Allele origin: germline.
Comment: This sequence change replaces glycine, which is neutral and non-polar, with arginine, which is basic and polar, at codon 1415 of the ABCA1 protein (p.Gly1415Arg). In summary, the currently available evidence indicates that the variant is pathogenic, but additional data are needed to prove that conclusively. Therefore, this variant has been classified as Likely Pathogenic. Algorithms developed to predict the effect of sequence changes on RNA splicing suggest that this variant may create or strengthen a splice site. Advanced modeling of protein sequence and biophysical properties (such as structural, functional, and spatial information, amino acid conservation, physicochemical variation, residue mobility, and thermodynamic stability) performed at Invitae indicates that this missense variant is expected to disrupt ABCA1 protein function. This missense change has been observed in individual(s) with clinical features of Tangier disease (Invitae). In at least one individual the data is consistent with being in trans (on the opposite chromosome) from a pathogenic variant. This variant is present in population databases (no rsID available, gnomAD 0.006%).

NM_005502.4(ABCA1):c.4243G>A (p.Gly1415Arg)

Gene: ABCA1 (ATP binding cassette subfamily A member 1; minus strand). Cytogenetic location: 9q31.1.
Variant type: single nucleotide variant.
Coding change: c.4243G>A on transcript NM_005502.4 (MANE Select); coding-DNA position 4243, G replaced by A.
Protein change: p.Gly1415Arg; replaces glycine 1415 with arginine.
Molecular consequence: missense variant.
Genome position (GRCh38, 1-based): chr9:104,809,497, C>T on the plus strand (G>A on the coding strand, the complement: ABCA1 is on the minus strand). VCF-style: chr9-104809497-C-T. GRCh37 (hg19) VCF-style: chr9-107571778-C-T.
Other names: short protein forms G1415R.
Identifiers: ClinVar variation 1969031 (VCV001969031.5), dbSNP rs1438323919, ClinGen allele CA374316322.